The following is an entry in ClinVar:

NM_001103146.3(GIGYF2):c.3512A>G (p.His1171Arg)

Gene: GIGYF2 (GRB10 interacting GYF protein 2; plus strand). Cytogenetic location: 2q37.1.
Variant type: single nucleotide variant.
Coding change: c.3512A>G on transcript NM_001103146.3 (MANE Select); coding-DNA position 3512, A replaced by G.
Protein change: p.His1171Arg; replaces histidine 1171 with arginine.
Molecular consequence: missense variant. On other transcripts: non-coding transcript variant (1).
Genome position (GRCh38, 1-based): chr2:232,847,399, A>G. VCF-style: chr2-232847399-A-G. GRCh37 (hg19) VCF-style: chr2-233712109-A-G.
Other names: p.His1171Arg; NC_000002.11:g.233712109A>G; c.3575A>G, p.His1192Arg (NM_001103147.2); c.3494A>G, p.His1165Arg (NM_001103148.2); c.3512A>G, p.His1171Arg (NM_015575.4); c.3512A>G (NM_001103146.2); short protein forms H1165R, H1171R, H1192R.
Identifiers: ClinVar variation 3037286 (VCV003037286.4), dbSNP rs72554081, ClinGen allele CA2170882.

ClinVar aggregate classification (germline): Uncertain significance. Review status: criteria provided, single submitter (1 of 4 stars). 2 submissions from 2 submitters: Uncertain significance (1). 1 of the submissions does not count toward it. Last evaluated 2024-08-20.

Conditions:
GIGYF2-related disorder. Also called: GIGYF2-related condition.

Allele frequency attached by ClinVar (database versions not stated): 1000 Genomes Project 0.00080; 1000 Genomes Project 30x 0.00109; TOPMed 0.00136; ESP Exome Variant Server 0.00146; ExAC 0.00157; gnomAD 0.00168.
gnomAD v4.1: 3,168 of 1,612,152 alleles (0.2%); highest among the groups gnomAD compares: Non-Finnish European, 0.23%; 5 homozygotes.

Submissions (7):

Mayo Clinic Laboratories, Mayo Clinic
Classification: Uncertain significance. Last evaluated: 2024-08-20. Review status: criteria provided, single submitter. Criteria: ACMG Guidelines, 2015. Collection method: clinical testing. Allele origin: germline. Observed: 1 variant allele.

PreventionGenetics, part of Exact Sciences
Classification: Likely benign for GIGYF2-related condition. Last evaluated: 2023-06-07. Review status: no assertion criteria provided. Collection method: clinical testing. Allele origin: germline. Not counted in ClinVar's aggregate classification.
Comment: This variant is classified as likely benign based on ACMG/AMP sequence variant interpretation guidelines (Richards et al. 2015 PMID: 25741868, with internal and published modifications).

Dr. Peter K. Rogan Lab, Western University
No classification provided (evidence only). Condition: Familial cancer of breast. Review status: no classification provided. Collection method: in vitro. Allele origin: not applicable. Functional consequence: retained intron. Not counted in ClinVar's aggregate classification.

Dr. Peter K. Rogan Lab, Western University
No classification provided (evidence only). Condition: Thyroid cancer, nonmedullary, 1. Review status: no classification provided. Collection method: in vitro. Allele origin: not applicable. Functional consequence: retained intron. Not counted in ClinVar's aggregate classification.

Dr. Peter K. Rogan Lab, Western University
No classification provided (evidence only). Condition: Gastric cancer. Review status: no classification provided. Collection method: in vitro. Allele origin: not applicable. Functional consequence: retained intron. Not counted in ClinVar's aggregate classification.

Dr. Peter K. Rogan Lab, Western University
No classification provided (evidence only). Condition: Gastric cancer. Review status: no classification provided. Collection method: in vitro. Allele origin: not applicable. Functional consequence: retained intron. Not counted in ClinVar's aggregate classification.

Dr. Peter K. Rogan Lab, Western University
No classification provided (evidence only). Condition: Uveal melanoma. Review status: no classification provided. Collection method: in vitro. Allele origin: not applicable. Functional consequence: retained intron. Not counted in ClinVar's aggregate classification.

Literature cited by the submitters: PubMed 18358451 (cited by Mayo Clinic Laboratories, Mayo Clinic); PubMed 18923002 (cited by Mayo Clinic Laboratories, Mayo Clinic); PubMed 20060621 (cited by Mayo Clinic Laboratories, Mayo Clinic); PubMed 25174650 (cited by Mayo Clinic Laboratories, Mayo Clinic); PubMed 26152800 (cited by Mayo Clinic Laboratories, Mayo Clinic).